The following is an entry in ClinVar:

NM_000059.4(BRCA2):c.2715_2716insTA (p.Thr906Ter)

Gene: BRCA2 (BRCA2 DNA repair associated; plus strand). Cytogenetic location: 13q13.1.
Variant type: Insertion.
Coding change: c.2715_2716insTA on transcript NM_000059.4 (MANE Select); coding-DNA positions 2715 to 2716, TA inserted.
Protein change: p.Thr906Ter; replaces threonine 906 with a stop codon.
Molecular consequence: nonsense. On other transcripts: non-coding transcript variant (1), intron variant (2).
Genome position: GRCh38 VCF-style: chr13-32337070-T-TTA. GRCh37 (hg19) VCF-style: chr13-32911207-T-TTA.
Other names: c.2715_2716insTA, p.Thr906Ter (NM_001406719.1, NM_001406720.1); c.1909+3683_1909+3684insTA (NM_001406721.1); c.424+6040_424+6041insTA (NM_001406722.1); short protein forms T906*.
Identifiers: ClinVar variation 2673988 (VCV002673988.2), dbSNP rs2548524534, ClinGen allele CA2695199253.

ClinVar aggregate classification (germline): Pathogenic. Review status: criteria provided, multiple submitters, no conflicts (2 of 4 stars). 2 submissions from 2 submitters: Pathogenic (2). Last evaluated 2024-12-06.

Conditions:
Hereditary cancer-predisposing syndrome. Also called: Tumor predisposition; Neoplastic Syndromes, Hereditary; Hereditary Cancer Syndrome; Hereditary neoplastic syndrome. Identifiers: Orphanet 140162, MedGen C0027672, MeSH D009386, MONDO:0015356.
Breast-ovarian cancer, familial, susceptibility to, 2 (BROVCA2). Also called: BRCA2 Hereditary Breast and Ovarian Cancer. Identifiers: Orphanet 145, MedGen C2675520, MONDO:0012933, OMIM 612555. Disease mechanism: loss of function.

Submissions (2):

Ambry Genetics
Classification: Pathogenic for Hereditary cancer-predisposing syndrome. Last evaluated: 2024-12-06. Review status: criteria provided, single submitter. Criteria: Ambry Variant Classification Scheme 2023. Collection method: clinical testing. Allele origin: germline.
Comment: The c.2715_2716insTA pathogenic mutation, located in coding exon 10 of the BRCA2 gene, results from an insertion of two nucleotides at position 2715, causing a translational frameshift with a predicted alternate stop codon (p.T906*). This variant is considered to be rare based on population cohorts in the Genome Aggregation Database (gnomAD). This alteration is expected to result in loss of function by premature protein truncation or nonsense-mediated mRNA decay. As such, this alteration is interpreted as a disease-causing mutation.

Myriad Genetics, Inc.
Classification: Pathogenic for Breast-ovarian cancer, familial, susceptibility to, 2. Last evaluated: 2023-10-24. Review status: criteria provided, single submitter. Criteria: Myriad Autosomal Dominant, Autosomal Recessive and X-Linked Classification Criteria (2023). Collection method: clinical testing. Allele origin: unknown.
Comment: This variant is considered pathogenic. This variant creates a termination codon and is predicted to result in premature protein truncation.